The following is an entry in ClinVar:

NM_001375567.1(FOCAD):c.2890C>A (p.Leu964Ile)

Gene: FOCAD (focadhesin; plus strand). Cytogenetic location: 9p21.3.
Variant type: single nucleotide variant.
Coding change: c.2890C>A on transcript NM_001375567.1 (MANE Select); coding-DNA position 2890, C replaced by A.
Protein change: p.Leu964Ile; replaces leucine 964 with isoleucine.
Molecular consequence: missense variant.
Genome position (GRCh38, 1-based): chr9:20,923,697, C>A. VCF-style: chr9-20923697-C-A. GRCh37 (hg19) VCF-style: chr9-20923696-C-A.
Other names: c.2785C>A, p.Leu929Ile (NM_001375568.1, NM_001375570.1); c.2890C>A, p.Leu964Ile (NM_017794.5); short protein forms L929I, L964I.
Identifiers: ClinVar variation 3714627 (VCV003714627.2).

ClinVar aggregate classification (germline): Uncertain significance (1 of 4 stars; one submission).

gnomAD v4.1: 119 of 1,614,090 alleles (0.0074%); highest among the groups gnomAD compares: Middle Eastern, 0.17%; no homozygotes.

Submission:

Labcorp Genetics (formerly Invitae), Labcorp
Classification: Uncertain significance. Last evaluated: 2025-04-13. Review status: criteria provided, single submitter. Criteria: Invitae Variant Classification Sherloc (09022015). Collection method: clinical testing. Allele origin: germline.
Comment: This sequence change replaces leucine, which is neutral and non-polar, with isoleucine, which is neutral and non-polar, at codon 964 of the FOCAD protein (p.Leu964Ile). This variant is present in population databases (rs117748510, gnomAD 0.08%), and has an allele count higher than expected for a pathogenic variant. This variant has not been reported in the literature in individuals affected with FOCAD-related conditions. ClinVar contains an entry for this variant (Variation ID: 3714627). Experimental studies and prediction algorithms are not available or were not evaluated, and the functional significance of this variant is currently unknown. In summary, the available evidence is currently insufficient to determine the role of this variant in disease. Therefore, it has been classified as a Variant of Uncertain Significance.